The following is an entry in ClinVar:

ClinVar aggregate classification (germline): Uncertain significance (1 of 4 stars; one submission).

Conditions:
Hereditary cancer-predisposing syndrome. Also called: Neoplastic Syndromes, Hereditary; Tumor predisposition; Hereditary neoplastic syndrome; Hereditary Cancer Syndrome. Identifiers: Orphanet 140162, MedGen C0027672, MeSH D009386, MONDO:0015356.

Allele frequency attached by ClinVar (database versions not stated): gnomAD exomes below 0.00001; ExAC 0.00001.
gnomAD v4.1: 1 of 1,614,090 alleles (0.000062%); highest among the groups gnomAD compares: Non-Finnish European, 0.000085%; no homozygotes.

Submission:

Ambry Genetics
Classification: Uncertain significance for Hereditary cancer-predisposing syndrome. Last evaluated: 2018-11-13. Review status: criteria provided, single submitter. Criteria: Ambry Variant Classification Scheme 2023. Collection method: clinical testing. Allele origin: germline.
Comment: The p.D19G variant (also known as c.56A>G), located in coding exon 1 of the RAD50 gene, results from an A to G substitution at nucleotide position 56. The aspartic acid at codon 19 is replaced by glycine, an amino acid with similar properties. This amino acid position is highly conserved in available vertebrate species. In addition, the in silico prediction for this alteration is inconclusive. Since supporting evidence is limited at this time, the clinical significance of this alteration remains unclear.

NM_005732.4(RAD50):c.56A>G (p.Asp19Gly)

Gene: RAD50 (RAD50 double strand break repair protein; plus strand). Cytogenetic location: 5q31.1.
Variant type: single nucleotide variant.
Coding change: c.56A>G on transcript NM_005732.4 (MANE Select); coding-DNA position 56, A replaced by G.
Protein change: p.Asp19Gly; replaces aspartic acid 19 with glycine.
Molecular consequence: missense variant.
Genome position (GRCh38, 1-based): chr5:132,557,380, A>G. VCF-style: chr5-132557380-A-G. GRCh37 (hg19) VCF-style: chr5-131893072-A-G.
Other names: short protein forms D19G.
Identifiers: ClinVar variation 825906 (VCV000825906.4), dbSNP rs775894807, ClinGen allele CA3404882.